The following is an entry in ClinVar:

NM_004006.3(DMD):c.3787-846G>A

Gene: DMD (dystrophin; minus strand). Cytogenetic location: Xp21.1.
Variant type: single nucleotide variant.
Coding change: c.3787-846G>A on transcript NM_004006.3 (MANE Select); 846 bases into the intron before coding-DNA position 3787, G replaced by A.
Molecular consequence: intron variant.
Genome position (GRCh38, 1-based): chrX:32,442,160, C>T on the plus strand (G>A on the coding strand, the complement: DMD is on the minus strand). VCF-style: chrX-32442160-C-T. GRCh37 (hg19) VCF-style: chrX-32460277-C-T.
Other names: c.3763-846G>A (NM_000109.4); c.3775-846G>A (NM_004009.3); c.3418-846G>A (NM_004010.3).
Identifiers: ClinVar variation 3055023 (VCV003055023.2), dbSNP rs773707958, ClinGen allele CA328027932.

ClinVar aggregate classification (germline): Likely benign (0 of 4 stars; one submission).

Conditions:
DMD-related disorder. Also called: DMD-related condition.

Allele frequency attached by ClinVar (database versions not stated): TOPMed 0.00004; gnomAD 0.00006.
gnomAD v4.1: 6 of 109,501 alleles (0.0055%); highest among the groups gnomAD compares: Non-Finnish European, 0.012%; no homozygotes.

Submission:

PreventionGenetics, part of Exact Sciences
Classification: Likely benign for DMD-related condition. Last evaluated: 2023-06-21. Review status: no assertion criteria provided. Collection method: clinical testing. Allele origin: germline.
Comment: This variant is classified as likely benign based on ACMG/AMP sequence variant interpretation guidelines (Richards et al. 2015 PMID: 25741868, with internal and published modifications).